The following is an entry in ClinVar:

NM_004064.5(CDKN1B):c.476-13C>T

Gene: CDKN1B (cyclin dependent kinase inhibitor 1B; plus strand). Cytogenetic location: 12p13.1.
Variant type: single nucleotide variant.
Coding change: c.476-13C>T on transcript NM_004064.5 (MANE Select); 13 bases into the intron before coding-DNA position 476, C replaced by T.
Molecular consequence: intron variant.
Genome position (GRCh38, 1-based): chr12:12,718,812, C>T. VCF-style: chr12-12718812-C-T. GRCh37 (hg19) VCF-style: chr12-12871746-C-T.
Other names: c.476-13C>T (NM_004064.4).
Identifiers: ClinVar variation 307668 (VCV000307668.13), dbSNP rs201069255, ClinGen allele CA6457540.

ClinVar aggregate classification (germline): Benign/Likely benign. Review status: criteria provided, multiple submitters, no conflicts (2 of 4 stars). 3 submissions from 3 submitters: Benign (2); Likely benign (1). Last evaluated 2026-01-13.

Conditions:
Multiple endocrine neoplasia type 4. Also called: MULTIPLE ENDOCRINE NEOPLASIA, TYPE IV. Identifiers: Orphanet 276152, MedGen C1970712, MONDO:0012552, OMIM 610755.

Allele frequency attached by ClinVar (database versions not stated): gnomAD exomes 0.00002 and 0.00008; gnomAD 0.00005 and 0.00007; TOPMed 0.00005; ExAC 0.00007; 1000 Genomes Project 30x 0.00031; 1000 Genomes Project 0.00040.
gnomAD v4.1: 45 of 1,613,972 alleles (0.0028%); highest among the groups gnomAD compares: East Asian, 0.082%; no homozygotes.

Submissions (3):

Labcorp Genetics (formerly Invitae), Labcorp
Classification: Benign for Multiple endocrine neoplasia type 4. Last evaluated: 2026-01-13. Review status: criteria provided, single submitter. Criteria: Invitae Variant Classification Sherloc (09022015). Collection method: clinical testing. Allele origin: germline.

Department of Pathology and Laboratory Medicine, Sinai Health System
Classification: Likely benign for Multiple endocrine neoplasia type 4. Last evaluated: 2023-03-06. Review status: criteria provided, single submitter. Criteria: ACMG Guidelines, 2015. Collection method: clinical testing. Allele origin: germline. Affected: yes.

Illumina Laboratory Services, Illumina
Classification: Benign for Multiple endocrine neoplasia type 4. Last evaluated: 2018-01-12. Review status: criteria provided, single submitter. Criteria: ICSL Variant Classification Criteria 13 December 2019. Collection method: clinical testing. Allele origin: germline.
Comment: This variant was observed in the ICSL laboratory as part of a predisposition screen in an ostensibly healthy population. It had not been previously curated by ICSL or reported in the Human Gene Mutation Database (HGMD: prior to June 1st, 2018), and was therefore a candidate for classification through an automated scoring system. Utilizing variant allele frequency, disease prevalence and penetrance estimates, and inheritance mode, an automated score was calculated to assess if this variant is too frequent to cause the disease. Based on the score and internal cut-off values, a variant classified as benign is not then subjected to further curation. The score for this variant resulted in a classification of benign for this disease.